The following is an entry in ClinVar:

NM_001723.7(DST):c.4720C>T (p.Gln1574Ter)

Gene: DST (dystonin; minus strand). Cytogenetic location: 6p12.1.
Variant type: single nucleotide variant.
Coding change: c.4720C>T on transcript NM_001723.7 (MANE Plus Clinical); coding-DNA position 4720, C replaced by T.
Protein change: p.Gln1574Ter; replaces glutamine 1574 with a stop codon.
Molecular consequence: nonsense. On other transcripts: intron variant (10).
Genome position (GRCh38, 1-based): chr6:56,619,314, G>A on the plus strand (C>T on the coding strand, the complement: DST is on the minus strand). VCF-style: chr6-56619314-G-A. GRCh37 (hg19) VCF-style: chr6-56484112-G-A.
Other names: c.4831-4830C>T (NM_001144769.5); c.4930-4830C>T (NM_001374722.1, NM_001374736.1); c.4957-4830C>T (NM_001374734.1); c.4417-4830C>T (NM_001144770.2); c.4297-4830C>T (NM_001374730.1, NM_001386100.1, NM_183380.4 and 1 more transcripts); c.3319-4830C>T (NM_015548.5); short protein forms Q1574*.
Identifiers: ClinVar variation 847629 (VCV000847629.8), dbSNP rs1277472105, ClinGen allele CA364569021.

ClinVar aggregate classification (germline): Pathogenic (1 of 4 stars; one submission).

Conditions:
Epidermolysis bullosa simplex 3, localized or generalized intermediate, with BP230 deficiency (EBS3). Also called: Epidermolysis bullosa simplex due to BP230 deficiency; Epidermolysis bullosa simplex, autosomal recessive 2. Identifiers: Orphanet 412181, MedGen C3809470, MONDO:0014180, OMIM 615425.
Hereditary sensory and autonomic neuropathy type 6. Also called: HSAN VI; Neuropathy, hereditary sensory and autonomic, type VI. Identifiers: Orphanet 314381, MedGen C3539003, MONDO:0013839, OMIM 614653.

Allele frequency attached by ClinVar (database versions not stated): gnomAD exomes 0.00001; gnomAD 0.00003 and 0.00004; TOPMed 0.00004.
gnomAD v4.1: 20 of 1,610,648 alleles (0.0012%); highest among the groups gnomAD compares: Non-Finnish European, 0.0017%; no homozygotes.

Submission:

Labcorp Genetics (formerly Invitae), Labcorp
Classification: Pathogenic for Epidermolysis bullosa simplex 3, localized or generalized intermediate, with BP230 deficiency; Hereditary sensory and autonomic neuropathy type 6. Last evaluated: 2025-06-07. Review status: criteria provided, single submitter. Criteria: Invitae Variant Classification Sherloc (09022015). Collection method: clinical testing. Allele origin: germline.
Comment: This sequence change creates a premature translational stop signal (p.Gln1574*) in the DST gene. It is expected to result in an absent or disrupted protein product. Loss-of-function variants in DST are known to be pathogenic (PMID: 22522446, 25059916, 30371979). This variant is present in population databases (no rsID available, gnomAD 0.002%). This variant has not been reported in the literature in individuals affected with DST-related conditions. ClinVar contains an entry for this variant (Variation ID: 847629). For these reasons, this variant has been classified as Pathogenic.

Literature cited by the submitters: PubMed 22522446; PubMed 25059916; PubMed 30371979.